The following is an entry in ClinVar:

NM_017791.3(FLVCR2):c.345del (p.Tyr116fs)

Genes: FLVCR2 (FLVCR choline and putative heme transporter 2; plus strand), FLVCR2-AS1 (FLVCR2 antisense RNA 1; minus strand). Cytogenetic location: 14q24.3.
Variant type: Deletion.
Coding change: c.345del on transcript NM_017791.3 (MANE Select); coding-DNA position 345, one base deleted (C; older notation c.345delC).
Protein change: p.Tyr116fs; shifts the reading frame from tyrosine 116.
Molecular consequence: frameshift variant. On other transcripts: non-coding transcript variant (1).
Genome position (GRCh38, 1-based): chr14:75,579,317, C deleted. VCF-style (leftmost placement, unchanged base first): chr14-75579316-TC-T. GRCh37 (hg19) VCF-style: chr14-76045659-TC-T.
Other names: short protein forms Y116fs.
Identifiers: ClinVar variation 4849942 (VCV004849942.1).

ClinVar aggregate classification (germline): Pathogenic (1 of 4 stars; one submission).

Conditions:
Proliferative vasculopathy and hydranencephaly-hydrocephaly syndrome. Also called: Fowler syndrome; ENCEPHALOCLASTIC PROLIFERATIVE VASCULOPATHY; HYDRANENCEPHALY, FOWLER TYPE; HYDROCEPHALY/HYDRANENCEPHALY DUE TO CEREBRAL VASCULOPATHY. Identifiers: Orphanet 221126, MedGen C1856972, MONDO:0009168, OMIM 225790.

Submission:

Department of Fetal Medicine and Prenatal Diagnosis, Obstetrics and Gynecology Center, Southern Medical University
Classification: Pathogenic for Proliferative vasculopathy and hydranencephaly-hydrocephaly syndrome. Review status: criteria provided, single submitter. Criteria: ACMG Guidelines, 2015. Collection method: clinical testing. Allele origin: paternal. Inheritance: Autosomal recessive inheritance. Affected: yes. Observed: 1 variant allele, 1 compound heterozygote.
Comment: The frameshift variant c.345del (p.Tyr116Thrfs*17) was not found in gnomAD Browser, ExAC database or 1000 Genome Project. It caused a premature stop codon within the exon 1 of FLVCR2. In summary, this variant was classified as pathogenic (PVS1, PM2_supporting, PP4).

Literature cited by the submitters: PubMed 4555262.